The following is an entry in ClinVar:

ClinVar aggregate classification (germline): Uncertain significance (1 of 4 stars; one submission).

Conditions:
Spondylocostal dysostosis 3, autosomal recessive (SCDO3). Also called: LFNG-Related Spondylocostal Dysostosis, Autosomal Recessive. Identifiers: Orphanet 2311, MedGen C1853296, MONDO:0012349, OMIM 609813.

Allele frequency attached by ClinVar (database versions not stated): gnomAD exomes below 0.00001.

Submission:

Labcorp Genetics (formerly Invitae), Labcorp
Classification: Uncertain significance for Spondylocostal dysostosis 3, autosomal recessive. Last evaluated: 2021-03-27. Review status: criteria provided, single submitter. Criteria: Invitae Variant Classification Sherloc (09022015). Collection method: clinical testing. Allele origin: germline.
Comment: This variant is not present in population databases (ExAC no frequency). This sequence change replaces asparagine with lysine at codon 317 of the LFNG protein (p.Asn317Lys). The asparagine residue is highly conserved and there is a moderate physicochemical difference between asparagine and lysine. This variant has not been reported in the literature in individuals with LFNG-related conditions. Algorithms developed to predict the effect of missense changes on protein structure and function are either unavailable or do not agree on the potential impact of this missense change (SIFT: "Tolerated"; PolyPhen-2: "Possibly Damaging"; Align-GVGD: "Class C0"). In summary, the available evidence is currently insufficient to determine the role of this variant in disease. Therefore, it has been classified as a Variant of Uncertain Significance.

NM_001040167.2(LFNG):c.951C>A (p.Asn317Lys)

Gene: LFNG (LFNG O-fucosylpeptide 3-beta-N-acetylglucosaminyltransferase; plus strand). Cytogenetic location: 7p22.3.
Variant type: single nucleotide variant.
Coding change: c.951C>A on transcript NM_001040167.2 (MANE Select); coding-DNA position 951, C replaced by A.
Protein change: p.Asn317Lys; replaces asparagine 317 with lysine.
Molecular consequence: missense variant.
Genome position (GRCh38, 1-based): chr7:2,526,373, C>A. VCF-style: chr7-2526373-C-A. GRCh37 (hg19) VCF-style: chr7-2566007-C-A.
Other names: c.951C>A, p.Asn317Lys (NM_001040168.2); c.738C>A, p.Asn246Lys (NM_001166355.2); c.564C>A, p.Asn188Lys (NM_002304.3); short protein forms N246K, N188K, N317K.
Identifiers: ClinVar variation 1382597 (VCV001382597.8), dbSNP rs1464471879, ClinGen allele CA366620409.